The following is an entry in ClinVar:

ClinVar aggregate classification (germline): Pathogenic. Review status: criteria provided, multiple submitters, no conflicts (2 of 4 stars). 2 submissions from 2 submitters: Pathogenic (2). Last evaluated 2022-05-05.

Conditions:
Hypertrophic cardiomyopathy. Also called: HYPERTROPHIC MYOCARDIOPATHY. Identifiers: Orphanet 217569, MedGen C0007194, MeSH D002312, MONDO:0005045, HP:0001639.

Submissions (2):

Labcorp Genetics (formerly Invitae), Labcorp
Classification: Pathogenic for Hypertrophic cardiomyopathy. Last evaluated: 2022-05-05. Review status: criteria provided, single submitter. Criteria: Invitae Variant Classification Sherloc (09022015). Collection method: clinical testing. Allele origin: germline.
Comment: For these reasons, this variant has been classified as Pathogenic. ClinVar contains an entry for this variant (Variation ID: 179435). This variant is not present in population databases (gnomAD no frequency). This sequence change creates a premature translational stop signal (p.Tyr797*) in the MYBPC3 gene. It is expected to result in an absent or disrupted protein product. Loss-of-function variants in MYBPC3 are known to be pathogenic (PMID: 19574547). This premature translational stop signal has been observed in individual(s) with hypertrophic cardiomyopathy (PMID: 24111713).

Laboratory for Molecular Medicine, Mass General Brigham Personalized Medicine
Classification: Pathogenic for Hypertrophic cardiomyopathy. Last evaluated: 2014-05-08. Review status: criteria provided, single submitter. Criteria: LMM Criteria. Collection method: clinical testing. Allele origin: germline. Inheritance: Autosomal dominant inheritance. Observed: 4 variant alleles.
Comment: Data from large population studies is insuffic ient to assess the frequency of this variant in the general population. This non sense variant creates a premature stop codon at position 797 thus leading to a t runcated or absent protein. Heterozygous loss of function of the MYBPC3 gene is an established disease mechanism in individuals with HCM. In summary, this varia nt meets our criteria for pathogenicity based on the predicted impact of the variant.

Literature cited by the submitters: PubMed 19574547 (cited by Labcorp Genetics (formerly Invitae), Labcorp); PubMed 24111713 (cited by Labcorp Genetics (formerly Invitae), Labcorp).

NM_000256.3(MYBPC3):c.2391C>A (p.Tyr797Ter)

Gene: MYBPC3 (myosin binding protein C3; minus strand). Cytogenetic location: 11p11.2.
Variant type: single nucleotide variant.
Coding change: c.2391C>A on transcript NM_000256.3 (MANE Select); coding-DNA position 2391, C replaced by A.
Protein change: p.Tyr797Ter; replaces tyrosine 797 with a stop codon.
Molecular consequence: nonsense.
Genome position (GRCh38, 1-based): chr11:47,337,712, G>T on the plus strand (C>A on the coding strand, the complement: MYBPC3 is on the minus strand). VCF-style: chr11-47337712-G-T. GRCh37 (hg19) VCF-style: chr11-47359263-G-T.
Other names: short protein forms Y797*.
Identifiers: ClinVar variation 179435 (VCV000179435.8), dbSNP rs727504864, ClinGen allele CA012195.